The following is an entry in ClinVar:

ClinVar aggregate classification (germline): Uncertain significance (1 of 4 stars; one submission).

Allele frequency attached by ClinVar (database versions not stated): gnomAD 0.00002.
gnomAD v4.1: 51 of 1,614,022 alleles (0.0032%); highest among the groups gnomAD compares: Non-Finnish European, 0.0042%; no homozygotes.

Submission:

Labcorp Genetics (formerly Invitae), Labcorp
Classification: Uncertain significance. Last evaluated: 2026-01-24. Review status: criteria provided, single submitter. Criteria: Invitae Variant Classification Sherloc (09022015). Collection method: clinical testing. Allele origin: germline.
Comment: This sequence change affects codon 108 of the COL4A1 mRNA. It is a 'silent' change, meaning that it does not change the encoded amino acid sequence of the COL4A1 protein. It affects a nucleotide within the consensus splice site. This variant is present in population databases (rs61759487, gnomAD 0.006%). This variant has not been reported in the literature in individuals affected with COL4A1-related conditions. ClinVar contains an entry for this variant (Variation ID: 1423175). Algorithms developed to predict the effect of sequence changes on RNA splicing suggest that this variant is not likely to affect RNA splicing. In summary, the available evidence is currently insufficient to determine the role of this variant in disease. Therefore, it has been classified as a Variant of Uncertain Significance.

NM_001845.6(COL4A1):c.324C>A (p.Pro108=)

Gene: COL4A1 (collagen type IV alpha 1 chain; minus strand). Cytogenetic location: 13q34.
Variant type: single nucleotide variant.
Coding change: c.324C>A on transcript NM_001845.6 (MANE Select); coding-DNA position 324, C replaced by A.
Protein change: p.Pro108=; no amino-acid change (proline 108 retained).
Molecular consequence: synonymous variant.
Genome position (GRCh38, 1-based): chr13:110,212,574, G>T on the plus strand (C>A on the coding strand, the complement: COL4A1 is on the minus strand). VCF-style: chr13-110212574-G-T. GRCh37 (hg19) VCF-style: chr13-110864921-G-T.
Other names: c.324C>A, p.Pro108= (NM_001303110.2).
Identifiers: ClinVar variation 1423175 (VCV001423175.8), dbSNP rs61759487, ClinGen allele CA7048579.
Genomic context (GRCh38, chr13:110,212,574, plus strand): 5'-GAAAATCGCCTGATGGAAGAATATTTCATAAAAGAAGTAGAGCACGTTTTCTATACATAC[G>T]GGAAGTCCTGGGTTTCCAGGGTAGCCAGATGCTCCCGGAGGTCCCTGTGAGGGCGGAAGT-3'
Protein context (NP_001836.3, residues 98-118): ASGYPGNPGL[Pro108=]GIPGQDGPPG